The following is an entry in ClinVar:

ClinVar aggregate classification (germline): Benign. Review status: criteria provided, multiple submitters, no conflicts (2 of 4 stars). 2 submissions from 2 submitters: Benign (2). Last evaluated 2018-01-12.

Conditions:
Seizures, benign familial infantile, 3 (BFIS3). Also called: CONVULSIONS, BENIGN FAMILIAL INFANTILE, 3; Familial neonatal seizures. Identifiers: Orphanet 140927, Orphanet 306, MedGen C1843140, MONDO:0011904, OMIM 607745.

Allele frequency attached by ClinVar (database versions not stated): gnomAD 0.37578 and 0.37765; TOPMed 0.37661; 1000 Genomes Project 30x 0.38273; 1000 Genomes Project 0.38339; gnomAD exomes 0.46495.
gnomAD v4.1: 57,535 of 152,276 alleles (38%); highest among the groups gnomAD compares: East Asian, 54%; 11,237 homozygotes.

Submissions (2):

Illumina Laboratory Services, Illumina
Classification: Benign for Seizures, benign familial infantile, 3. Last evaluated: 2018-01-12. Review status: criteria provided, single submitter. Criteria: ICSL Variant Classification Criteria 13 December 2019. Collection method: clinical testing. Allele origin: germline.
Comment: This variant was observed in the ICSL laboratory as part of a predisposition screen in an ostensibly healthy population. It had not been previously curated by ICSL or reported in the Human Gene Mutation Database (HGMD: prior to June 1st, 2018), and was therefore a candidate for classification through an automated scoring system. Utilizing variant allele frequency, disease prevalence and penetrance estimates, and inheritance mode, an automated score was calculated to assess if this variant is too frequent to cause the disease. Based on the score and internal cut-off values, a variant classified as benign is not then subjected to further curation. The score for this variant resulted in a classification of benign for this disease.

Breakthrough Genomics
Classification: Benign. Review status: criteria provided, single submitter. Criteria: ACMG Guidelines, 2015. Collection method: not provided. Allele origin: germline. Inheritance: Autosomal dominant inheritance. Affected: yes.

NM_001040142.2(SCN2A):c.*1713G>A

Gene: SCN2A (sodium voltage-gated channel alpha subunit 2; plus strand). Cytogenetic location: 2q24.3.
Variant type: single nucleotide variant.
Coding change: c.*1713G>A on transcript NM_001040142.2 (MANE Select); 1713 bases downstream of the stop codon, G replaced by A.
Molecular consequence: 3 prime UTR variant.
Genome position (GRCh38, 1-based): chr2:165,391,537, G>A. VCF-style: chr2-165391537-G-A. GRCh37 (hg19) VCF-style: chr2-166248047-G-A.
Other names: c.*1713G>A (NM_001040143.2, NM_001371246.1, NM_001371247.1 and 1 more transcripts).
Identifiers: ClinVar variation 331756 (VCV000331756.6), dbSNP rs1007722, ClinGen allele CA10611497.